The following is an entry in ClinVar:

NM_001382309.1(ATXN7L3):c.738-1G>T

Gene: ATXN7L3 (ataxin 7 like 3; minus strand). Cytogenetic location: 17q21.31.
Variant type: single nucleotide variant.
Coding change: c.738-1G>T on transcript NM_001382309.1 (MANE Select); the canonical splice acceptor site of the intron before coding-DNA position 738, G replaced by T.
Molecular consequence: splice acceptor variant.
Genome position (GRCh38, 1-based): chr17:44,194,675, C>A on the plus strand (G>T on the coding strand, the complement: ATXN7L3 is on the minus strand). VCF-style: chr17-44194675-C-A. GRCh37 (hg19) VCF-style: chr17-42272043-C-A.
Other names: c.759-1G>T (NM_001382310.1, NM_001382315.1, NM_001382308.1 and 1 more transcripts); c.738-1G>T (NM_001382313.1, NM_001382312.1, NM_001382311.1); c.795-1G>T (NM_001382316.1).
Identifiers: ClinVar variation 4854994 (VCV004854994.1).

ClinVar aggregate classification (germline): Uncertain significance (1 of 4 stars; one submission).

Conditions:
Harel-Tora neurodevelopmental syndrome. Identifiers: MedGen C6065918, MONDO:0980703, OMIM 621377.

Submission:

3billion
Classification: Uncertain significance for Harel-Tora neurodevelopmental syndrome. Last evaluated: 2025-06-24. Review status: criteria provided, single submitter. Criteria: ACMG Guidelines, 2015. Collection method: clinical testing. Allele origin: germline. Affected: yes.
Comment: The variant is not observed in the gnomAD v4.1.0 dataset. Predicted Consequence/Location: Canonical splice site: predicted to alter splicing and result in a loss or disruption of normal protein function. Multiple pathogenic loss-of-function variants are reported downstream of the variant. In silico tools predict the variant to alter splicing and produce an abnormal transcript [SpliceAI: 1.00 (spliceogenicity >=0.2, non-spliceogenicity <0.1)]. Therefore, this variant is classified as VUS according to the recommendation of ACMG/AMP guideline.